The following is an entry in ClinVar:

ClinVar aggregate classification (germline): Pathogenic. Review status: criteria provided, multiple submitters, no conflicts (2 of 4 stars). 6 submissions from 6 submitters: Pathogenic (5). 1 of the submissions does not count toward it. Last evaluated 2023-02-23.

Conditions:
NF1-related disorder. Also called: NF1-related condition. Identifiers: MedGen CN379171.
Hereditary cancer-predisposing syndrome. Also called: Neoplastic Syndromes, Hereditary; Hereditary neoplastic syndrome; Tumor predisposition; Hereditary Cancer Syndrome. Identifiers: Orphanet 140162, MedGen C0027672, MeSH D009386, MONDO:0015356.
Cardiovascular phenotype. Identifiers: MedGen CN230736.
Neurofibromatosis, type 1 (NF1). Also called: NEUROFIBROMATOSIS, TYPE I, SOMATIC; VON RECKLINGHAUSEN DISEASE; Peripheral type neurofibromatosis; Neurofibromatosis, type I. Identifiers: Orphanet 636, MedGen C0027831, MONDO:0018975, OMIM 162200. Disease mechanism: loss of function.

Allele frequency attached by ClinVar (database versions not stated): gnomAD exomes below 0.00001.
gnomAD v4.1: 1 of 1,613,938 alleles (0.000062%); highest among the groups gnomAD compares: Non-Finnish European, 0.000085%; no homozygotes.

Submissions (6):

3billion
Classification: Pathogenic for Neurofibromatosis, type 1. Last evaluated: 2023-02-23. Review status: criteria provided, single submitter. Criteria: ACMG Guidelines, 2015. Collection method: clinical testing. Allele origin: unknown. Affected: yes.
Comment: The variant is not observed in the gnomAD v2.1.1 dataset. This variant was predicted to alter splicing and result in a loss or disruption of normal protein function. Multiple pathogenic loss-of-function variants are reported downstream of the variant. The variant has been reported at least twice as pathogenic with clinical assertions and evidence for the classification (ClinVar ID: VCV000547672). Therefore, this variant is classified as Pathogenic according to the recommendation of ACMG/AMP guideline.

Ambry Genetics
Classification: Pathogenic for Cardiovascular phenotype; Hereditary cancer-predisposing syndrome. Last evaluated: 2022-04-26. Review status: criteria provided, single submitter. Criteria: Ambry Variant Classification Scheme 2023. Collection method: clinical testing. Allele origin: germline.
Comment: The c.5944-2A>G intronic pathogenic mutation results from an A to G substitution two nucleotides upstream from coding exon 40 in the NF1 gene. This alteration has been identified in individuals with a clinical diagnosis of neurofibromatosis type 1 (NF1) (Fahsold R et al. Am J Hum Genet, 2000 Mar;66:790-818; Upadhyaya M et al. Hum Mutat, 2006 Jul;27:716). This variant is considered to be rare based on population cohorts in the Genome Aggregation Database (gnomAD). In silico splice site analysis predicts that this alteration will weaken the native splice acceptor site and will result in the creation or strengthening of a novel splice acceptor site. In addition to the clinical data presented in the literature, alterations that disrupt the canonical splice site are expected to cause aberrant splicing, resulting in an abnormal protein or a transcript that is subject to nonsense-mediated mRNA decay. As such, this alteration is classified as a disease-causing mutation.

Genome-Nilou Lab
Classification: Pathogenic for Neurofibromatosis, type 1. Last evaluated: 2022-03-15. Review status: criteria provided, single submitter. Criteria: ACMG Guidelines, 2015. Collection method: clinical testing. Allele origin: germline. Affected: no.

Labcorp Genetics (formerly Invitae), Labcorp
Classification: Pathogenic for Neurofibromatosis, type 1. Last evaluated: 2022-02-20. Review status: criteria provided, single submitter. Criteria: Invitae Variant Classification Sherloc (09022015). Collection method: clinical testing. Allele origin: germline.
Comment: For these reasons, this variant has been classified as Pathogenic. Studies have shown that disruption of this splice site results in skipping of exon 40 (also known as exon 32), but is expected to preserve the integrity of the reading-frame (PMID: 10712197). ClinVar contains an entry for this variant (Variation ID: 547672). Disruption of this splice site has been observed in individual(s) with NF1-related conditions (PMID: 10712197, 15060124, 16786508, 26740943). This variant is not present in population databases (gnomAD no frequency). This sequence change affects an acceptor splice site in intron 39 of the NF1 gene. RNA analysis indicates that disruption of this splice site induces altered splicing and likely results in a shortened protein product.

Center for Human Genetics, Inc
Classification: Pathogenic for Neurofibromatosis, type 1. Last evaluated: 2016-11-01. Review status: criteria provided, single submitter. Criteria: ACMG Guidelines, 2015. Collection method: clinical testing. Allele origin: germline. Affected: yes.

PreventionGenetics, part of Exact Sciences
Classification: Pathogenic for NF1-related condition. Last evaluated: 2024-08-09. Review status: no assertion criteria provided. Collection method: clinical testing. Allele origin: germline. Not counted in ClinVar's aggregate classification.
Comment: The NF1 c.6007-2A>G variant is predicted to disrupt the AG splice acceptor site and interfere with normal splicing. This variant, also referred to as c.5944-2A>G in an alternate transcript (NM_000267), has been reported in multiple individuals with neurofibromatosis type 1 (Fahsold et al. 2000. PubMed ID: 10712197; Upadhyaya et al. 2006. PubMed ID: 16786508). This variant has not been reported in a large population database, indicating this variant is rare. In ClinVar, this variant has been interpreted as pathogenic. Other variants that disrupt this consensus splice acceptor site (c.6007-1G>T, c.6007-1G>C) have been reported as pathogenic (Table S2, Bianchessi et al. 2015. PubMed ID: 26740943; Mattocks et al 2004. PubMed ID: 15060124). This variant is interpreted as pathogenic.

Literature cited by the submitters: PubMed 10712197 (cited by Labcorp Genetics (formerly Invitae), Labcorp); PubMed 15060124 (cited by Labcorp Genetics (formerly Invitae), Labcorp); PubMed 16786508 (cited by Labcorp Genetics (formerly Invitae), Labcorp); PubMed 26740943 (cited by Labcorp Genetics (formerly Invitae), Labcorp).

NM_001042492.3(NF1):c.6007-2A>G

Gene: NF1 (neurofibromin 1; plus strand). Cytogenetic location: 17q11.2.
Variant type: single nucleotide variant.
Coding change: c.6007-2A>G on transcript NM_001042492.3 (MANE Select); the canonical splice acceptor site of the intron before coding-DNA position 6007, A replaced by G.
Molecular consequence: splice acceptor variant.
Genome position (GRCh38, 1-based): chr17:31,336,331, A>G. VCF-style: chr17-31336331-A-G. GRCh37 (hg19) VCF-style: chr17-29663349-A-G.
Other names: c.5944-2A>G (NM_000267.3, NM_000267.4); c.6007-2A>G (NM_001042492.2).
Identifiers: ClinVar variation 547672 (VCV000547672.12), dbSNP rs1555534595, ClinGen allele CA399010990.